The following is an entry in ClinVar:

ClinVar aggregate classification (germline): Benign/Likely benign. Review status: criteria provided, multiple submitters, no conflicts (2 of 4 stars). 11 submissions from 10 submitters: Benign (6); Likely benign (4). 1 of the submissions does not count toward it. Last evaluated 2026-01-11.

Conditions:
Autosomal recessive ataxia, Beauce type. Also called: SYNE1-Related Autosomal Recessive Cerebellar Ataxia; Spinocerebellar ataxia, autosomal recessive 8; ATAXIA, RECESSIVE, OF BEAUCE; SYNE1 Deficiency. Identifiers: Orphanet 88644, MedGen C1853116, MONDO:0012549, OMIM 610743.
Emery-Dreifuss muscular dystrophy 4, autosomal dominant (EDMD4). Also called: EMERY-DREIFUSS MUSCULAR DYSTROPHY 4 WITH VARIABLE FEATURES. Identifiers: Orphanet 261, MedGen C2751807, MONDO:0013071, OMIM 612998.
Arthrogryposis multiplex congenita 3, myogenic type. Also called: ARTHROGRYPOSIS MULTIPLEX CONGENITA, MYOGENIC TYPE. Identifiers: MedGen C5193121, MONDO:0032778, OMIM 618484.
SYNE1-related disorder. Also called: SYNE1-related disease; SYNE1-related condition; SYNE1-related disorders.

Allele frequency attached by ClinVar (database versions not stated): gnomAD exomes 0.00060 and 0.00153; ExAC 0.00189; gnomAD 0.00562 and 0.00602; TOPMed 0.00605; ESP Exome Variant Server 0.00630; 1000 Genomes Project 0.00639; 1000 Genomes Project 30x 0.00671.
gnomAD v4.1: 1,766 of 1,614,060 alleles (0.11%); highest among the groups gnomAD compares: African/African-American, 2%; 12 homozygotes.

Submissions (11):

Labcorp Genetics (formerly Invitae), Labcorp
Classification: Benign for Emery-Dreifuss muscular dystrophy 4, autosomal dominant; Autosomal recessive ataxia, Beauce type. Last evaluated: 2026-01-11. Review status: criteria provided, single submitter. Criteria: Invitae Variant Classification Sherloc (09022015). Collection method: clinical testing. Allele origin: germline.

Blueprint Genetics
Classification: Likely benign. Last evaluated: 2024-08-28. Review status: criteria provided, single submitter. Criteria: ACMG Guidelines, 2015. Collection method: clinical testing. Allele origin: germline.

Fulgent Genetics
Classification: Likely benign for Autosomal recessive ataxia, Beauce type; Emery-Dreifuss muscular dystrophy 4, autosomal dominant; Arthrogryposis multiplex congenita 3, myogenic type. Last evaluated: 2021-12-15. Review status: criteria provided, single submitter. Criteria: ACMG Guidelines, 2015. Collection method: clinical testing. Allele origin: unknown.

Mayo Clinic Laboratories, Mayo Clinic
Classification: Benign. Last evaluated: 2019-07-12. Review status: criteria provided, single submitter. Criteria: ACMG Guidelines, 2015. Collection method: clinical testing. Allele origin: germline. Observed: 4 variant alleles.

ARUP Laboratories, Molecular Genetics and Genomics, ARUP Laboratories
Classification: Likely benign. Last evaluated: 2018-10-23. Review status: criteria provided, single submitter. Criteria: ARUP Molecular Germline Variant Investigation Process. Collection method: clinical testing. Allele origin: germline.

Illumina Laboratory Services, Illumina
Classification: Benign for Emery-Dreifuss muscular dystrophy 4, autosomal dominant. Last evaluated: 2018-01-13. Review status: criteria provided, single submitter. Criteria: ICSL Variant Classification Criteria 13 December 2019. Collection method: clinical testing. Allele origin: germline.
Comment: This variant was observed in the ICSL laboratory as part of a predisposition screen in an ostensibly healthy population. It had not been previously curated by ICSL or reported in the Human Gene Mutation Database (HGMD: prior to June 1st, 2018), and was therefore a candidate for classification through an automated scoring system. Utilizing variant allele frequency, disease prevalence and penetrance estimates, and inheritance mode, an automated score was calculated to assess if this variant is too frequent to cause the disease. Based on the score and internal cut-off values, a variant classified as benign is not then subjected to further curation. The score for this variant resulted in a classification of benign for this disease.

Illumina Laboratory Services, Illumina
Classification: Benign for Autosomal recessive ataxia, Beauce type. Last evaluated: 2018-01-13. Review status: criteria provided, single submitter. Criteria: ICSL Variant Classification Criteria 13 December 2019. Collection method: clinical testing. Allele origin: germline.
Comment: the same text as in the submission from Illumina Laboratory Services, Illumina above.

Athena Diagnostics
Classification: Benign. Last evaluated: 2017-12-21. Review status: criteria provided, single submitter. Criteria: Athena Diagnostics Criteria. Collection method: clinical testing. Allele origin: germline.

GeneDx
Classification: Benign. Last evaluated: 2017-08-23. Review status: criteria provided, single submitter. Criteria: GeneDx Variant Classification (06012015). Collection method: clinical testing. Allele origin: germline. Affected: yes.
Comment: This variant is considered likely benign or benign based on one or more of the following criteria: it is a conservative change, it occurs at a poorly conserved position in the protein, it is predicted to be benign by multiple in silico algorithms, and/or has population frequency not consistent with disease.

Breakthrough Genomics
Classification: Likely benign. Review status: criteria provided, single submitter. Criteria: ACMG Guidelines, 2015. Collection method: not provided. Allele origin: germline. Inheritance: Autosomal recessive inheritance. Affected: yes.

PreventionGenetics, part of Exact Sciences
Classification: Benign for SYNE1-related condition. Last evaluated: 2020-02-20. Review status: no assertion criteria provided. Collection method: clinical testing. Allele origin: germline. Not counted in ClinVar's aggregate classification.
Comment: This variant is classified as benign based on ACMG/AMP sequence variant interpretation guidelines (Richards et al. 2015 PMID: 25741868, with internal and published modifications).

NM_182961.4(SYNE1):c.15313G>A (p.Asp5105Asn)

Gene: SYNE1 (spectrin repeat containing nuclear envelope protein 1; minus strand). Cytogenetic location: 6q25.2.
Variant type: single nucleotide variant.
Coding change: c.15313G>A on transcript NM_182961.4 (MANE Select); coding-DNA position 15313, G replaced by A.
Protein change: p.Asp5105Asn; replaces aspartic acid 5105 with asparagine.
Molecular consequence: missense variant.
Genome position (GRCh38, 1-based): chr6:152,326,083, C>T on the plus strand (G>A on the coding strand, the complement: SYNE1 is on the minus strand). VCF-style: chr6-152326083-C-T. GRCh37 (hg19) VCF-style: chr6-152647218-C-T.
Other names: p.Asp5034Asn; c.15100G>A, p.Asp5034Asn (NM_033071.5); short protein forms D5034N, D5105N.
Identifiers: ClinVar variation 355867 (VCV000355867.29), dbSNP rs35493783, ClinGen allele CA4055822.